The following is an entry in ClinVar:

NM_152424.4(AMER1):c.3017C>T (p.Ser1006Leu)

Gene: AMER1 (APC membrane recruitment protein 1; minus strand). Cytogenetic location: Xq11.2.
Variant type: single nucleotide variant.
Coding change: c.3017C>T on transcript NM_152424.4 (MANE Select); coding-DNA position 3017, C replaced by T.
Protein change: p.Ser1006Leu; replaces serine 1006 with leucine.
Molecular consequence: missense variant.
Genome position (GRCh38, 1-based): chrX:64,190,270, G>A on the plus strand (C>T on the coding strand, the complement: AMER1 is on the minus strand). VCF-style: chrX-64190270-G-A. GRCh37 (hg19) VCF-style: chrX-63410150-G-A.
Other names: short protein forms S1006L.
Identifiers: ClinVar variation 4778359 (VCV004778359.1).
Genomic context (GRCh38, chrX:64,190,270, plus strand): 5'-AGGTGTGAGGGACGAGCTAGTTGAGGCCCAGATTCCCCAGGTGCCCTTGACTCTGGCACT[G>A]ATAGTGATATTGACATGGTCATAGGAGGTATGCAACAGGTTGCCTGCCTATATGGAGACT-3'
Protein context (NP_689637.3, residues 996-1016): IPPMTMSISL[Ser1006Leu]VPESRAPGES

ClinVar aggregate classification (germline): Uncertain significance (1 of 4 stars; one submission).

gnomAD v4.1: 6 of 1,212,055 alleles (0.0005%); highest among the groups gnomAD compares: Non-Finnish European, 0.00067%; no homozygotes.

Submission:

Labcorp Genetics (formerly Invitae), Labcorp
Classification: Uncertain significance. Last evaluated: 2025-04-07. Review status: criteria provided, single submitter. Criteria: Invitae Variant Classification Sherloc (09022015). Collection method: clinical testing. Allele origin: germline.
Comment: This sequence change replaces serine, which is neutral and polar, with leucine, which is neutral and non-polar, at codon 1006 of the AMER1 protein (p.Ser1006Leu). This variant is present in population databases (no rsID available, gnomAD 0.001%). This variant has not been reported in the literature in individuals affected with AMER1-related conditions. An algorithm developed to predict the effect of missense changes on protein structure and function outputs the following: PolyPhen-2: "Benign". The leucine amino acid residue is found in multiple mammalian species, which suggests that this missense change does not adversely affect protein function. In summary, the available evidence is currently insufficient to determine the role of this variant in disease. Therefore, it has been classified as a Variant of Uncertain Significance.